The following is an entry in ClinVar:

ClinVar aggregate classification (germline): Uncertain significance (1 of 4 stars; one submission).

Conditions:
Diffuse cerebral and cerebellar atrophy - intractable seizures - progressive microcephaly syndrome. Also called: Microcephaly, progressive, with seizures and cerebral and cerebellar atrophy. Identifiers: Orphanet 404437, MedGen C4014239, MONDO:0014335, OMIM 615760.

gnomAD v4.1: 2 of 1,614,062 alleles (0.00012%); highest among the groups gnomAD compares: Non-Finnish European, 0.00017%; no homozygotes.

Submission:

Labcorp Genetics (formerly Invitae), Labcorp
Classification: Uncertain significance for Diffuse cerebral and cerebellar atrophy - intractable seizures - progressive microcephaly syndrome. Last evaluated: 2024-07-15. Review status: criteria provided, single submitter. Criteria: Invitae Variant Classification Sherloc (09022015). Collection method: clinical testing. Allele origin: germline.
Comment: This sequence change replaces valine, which is neutral and non-polar, with leucine, which is neutral and non-polar, at codon 113 of the QARS protein (p.Val113Leu). This variant is not present in population databases (gnomAD no frequency). This variant has not been reported in the literature in individuals affected with QARS-related conditions. ClinVar contains an entry for this variant (Variation ID: 1430570). Advanced modeling of protein sequence and biophysical properties (such as structural, functional, and spatial information, amino acid conservation, physicochemical variation, residue mobility, and thermodynamic stability) has been performed at Invitae for this missense variant, however the output from this modeling did not meet the statistical confidence thresholds required to predict the impact of this variant on QARS protein function. In summary, the available evidence is currently insufficient to determine the role of this variant in disease. Therefore, it has been classified as a Variant of Uncertain Significance.

NM_005051.3(QARS1):c.337G>C (p.Val113Leu)

Gene: QARS1 (glutaminyl-tRNA synthetase 1; minus strand). Cytogenetic location: 3p21.31.
Variant type: single nucleotide variant.
Coding change: c.337G>C on transcript NM_005051.3 (MANE Select); coding-DNA position 337, G replaced by C.
Protein change: p.Val113Leu; replaces valine 113 with leucine.
Molecular consequence: missense variant. On other transcripts: non-coding transcript variant (1).
Genome position (GRCh38, 1-based): chr3:49,103,901, C>G on the plus strand (G>C on the coding strand, the complement: QARS1 is on the minus strand). VCF-style: chr3-49103901-C-G. GRCh37 (hg19) VCF-style: chr3-49141334-C-G.
Other names: c.304G>C, p.Val102Leu (NM_001272073.2); short protein forms V113L, V102L.
Identifiers: ClinVar variation 1430570 (VCV001430570.6), dbSNP rs767616063, ClinGen allele CA352720464.